The following is an entry in ClinVar:

ClinVar aggregate classification (germline): Uncertain significance (1 of 4 stars; one submission).

Submission:

GeneDx
Classification: Uncertain significance. Last evaluated: 2023-12-27. Review status: criteria provided, single submitter. Criteria: GeneDx Variant Classification Process June 2021. Collection method: clinical testing. Allele origin: germline. Affected: yes.
Comment: Not observed at significant frequency in large population cohorts (gnomAD); In silico analysis supports that this missense variant has a deleterious effect on protein structure/function; Has not been previously published as pathogenic or benign to our knowledge

NM_001127222.2(CACNA1A):c.5069C>T (p.Ala1690Val)

Gene: CACNA1A (calcium voltage-gated channel subunit alpha1 A; minus strand). Cytogenetic location: 19p13.13.
Variant type: single nucleotide variant.
Coding change: c.5069C>T on transcript NM_001127222.2 (MANE Select); coding-DNA position 5069, C replaced by T.
Protein change: p.Ala1690Val; replaces alanine 1690 with valine.
Molecular consequence: missense variant.
Genome position (GRCh38, 1-based): chr19:13,235,273, G>A on the plus strand (C>T on the coding strand, the complement: CACNA1A is on the minus strand). VCF-style: chr19-13235273-G-A. GRCh37 (hg19) VCF-style: chr19-13346087-G-A.
Other names: c.5087C>T, p.Ala1696Val (NM_000068.4, NM_023035.3); c.5072C>T, p.Ala1691Val (NM_001127221.2); c.5078C>T, p.Ala1693Val (NM_001174080.2); short protein forms A1690V, A1691V, A1693V, A1696V.
Identifiers: ClinVar variation 3370045 (VCV003370045.1).